The following is an entry in ClinVar:

ClinVar aggregate classification (germline): Uncertain significance (1 of 4 stars; one submission).

Allele frequency attached by ClinVar (database versions not stated): gnomAD exomes below 0.00001.
gnomAD v4.1: 1 of 1,592,562 alleles (0.000063%); highest among the groups gnomAD compares: Admixed American, 0.0018%; no homozygotes.

Submission:

Labcorp Genetics (formerly Invitae), Labcorp
Classification: Uncertain significance. Last evaluated: 2024-07-20. Review status: criteria provided, single submitter. Criteria: Invitae Variant Classification Sherloc (09022015). Collection method: clinical testing. Allele origin: germline.
Comment: This sequence change replaces alanine, which is neutral and non-polar, with glycine, which is neutral and non-polar, at codon 805 of the HERC1 protein (p.Ala805Gly). This variant is not present in population databases (gnomAD no frequency). This variant has not been reported in the literature in individuals affected with HERC1-related conditions. ClinVar contains an entry for this variant (Variation ID: 1929331). Advanced modeling of protein sequence and biophysical properties (such as structural, functional, and spatial information, amino acid conservation, physicochemical variation, residue mobility, and thermodynamic stability) has been performed at Invitae for this missense variant, however the output from this modeling did not meet the statistical confidence thresholds required to predict the impact of this variant on HERC1 protein function. In summary, the available evidence is currently insufficient to determine the role of this variant in disease. Therefore, it has been classified as a Variant of Uncertain Significance.

NM_003922.4(HERC1):c.2414C>G (p.Ala805Gly)

Gene: HERC1 (HECT and RLD domain containing E3 ubiquitin protein ligase family member 1; minus strand). Cytogenetic location: 15q22.31.
Variant type: single nucleotide variant.
Coding change: c.2414C>G on transcript NM_003922.4 (MANE Select); coding-DNA position 2414, C replaced by G.
Protein change: p.Ala805Gly; replaces alanine 805 with glycine.
Molecular consequence: missense variant.
Genome position (GRCh38, 1-based): chr15:63,747,024, G>C on the plus strand (C>G on the coding strand, the complement: HERC1 is on the minus strand). VCF-style: chr15-63747024-G-C. GRCh37 (hg19) VCF-style: chr15-64039223-G-C.
Other names: short protein forms A805G.
Identifiers: ClinVar variation 1929331 (VCV001929331.5), dbSNP rs2551736141, ClinGen allele CA392745299.